The following is an entry in ClinVar:

NM_032043.3(BRIP1):c.3429T>G (p.Asp1143Glu)

Gene: BRIP1 (BRCA1 interacting DNA helicase 1; minus strand). Cytogenetic location: 17q23.2.
Variant type: single nucleotide variant.
Coding change: c.3429T>G on transcript NM_032043.3 (MANE Select); coding-DNA position 3429, T replaced by G.
Protein change: p.Asp1143Glu; replaces aspartic acid 1143 with glutamic acid.
Molecular consequence: missense variant.
Genome position (GRCh38, 1-based): chr17:61,683,617, A>C on the plus strand (T>G on the coding strand, the complement: BRIP1 is on the minus strand). VCF-style: chr17-61683617-A-C. GRCh37 (hg19) VCF-style: chr17-59760978-A-C.
Other names: short protein forms D1143E.
Identifiers: ClinVar variation 1043014 (VCV001043014.9), dbSNP rs1315917374, ClinGen allele CA400478747.

ClinVar aggregate classification (germline): Uncertain significance (1 of 4 stars; one submission).

Conditions:
Fanconi anemia complementation group J. Also called: BRIP1-Related Fanconi Anemia. Identifiers: Orphanet 84, MedGen C1836860, MONDO:0012187, OMIM 609054.
Familial cancer of breast. Also called: BREAST CANCER, FAMILIAL; Hereditary breast cancer; hereditary breast carcinoma. Identifiers: Orphanet 227535, MedGen C0346153, MONDO:0016419, OMIM 114480. Disease mechanism: loss of function.

Submission:

Labcorp Genetics (formerly Invitae), Labcorp
Classification: Uncertain significance for Familial cancer of breast; Fanconi anemia complementation group J. Last evaluated: 2020-09-08. Review status: criteria provided, single submitter. Criteria: Invitae Variant Classification Sherloc (09022015). Collection method: clinical testing. Allele origin: germline.
Comment: In summary, the available evidence is currently insufficient to determine the role of this variant in disease. Therefore, it has been classified as a Variant of Uncertain Significance. Algorithms developed to predict the effect of missense changes on protein structure and function (SIFT, PolyPhen-2, Align-GVGD) all suggest that this variant is likely to be tolerated, but these predictions have not been confirmed by published functional studies and their clinical significance is uncertain. This sequence change replaces aspartic acid with glutamic acid at codon 1143 of the BRIP1 protein (p.Asp1143Glu). The aspartic acid residue is weakly conserved and there is a small physicochemical difference between aspartic acid and glutamic acid. This variant is not present in population databases (ExAC no frequency). This variant has not been reported in the literature in individuals with BRIP1-related conditions.